The following is an entry in ClinVar:

NM_000135.4(FANCA):c.1126C>T (p.Gln376Ter)

Gene: FANCA (FA complementation group A; minus strand). Cytogenetic location: 16q24.3.
Variant type: single nucleotide variant.
Coding change: c.1126C>T on transcript NM_000135.4 (MANE Select); coding-DNA position 1126, C replaced by T.
Protein change: p.Gln376Ter; replaces glutamine 376 with a stop codon.
Molecular consequence: nonsense.
Genome position (GRCh38, 1-based): chr16:89,792,026, G>A on the plus strand (C>T on the coding strand, the complement: FANCA is on the minus strand). VCF-style: chr16-89792026-G-A. GRCh37 (hg19) VCF-style: chr16-89858434-G-A.
Other names: c.1126C>T, p.Gln376Ter (NM_001286167.3); short protein forms Q376*.
Identifiers: ClinVar variation 2195705 (VCV002195705.5), dbSNP rs2040093330, ClinGen allele CA397466247.

ClinVar aggregate classification (germline): Pathogenic. Review status: criteria provided, multiple submitters, no conflicts (2 of 4 stars). 2 submissions from 2 submitters: Pathogenic (2). Last evaluated 2025-08-01.

Conditions:
Fanconi anemia complementation group A (FANCA). Also called: FANCA-Related Fanconi Anemia; Fanconi anemia, group A. Identifiers: Orphanet 84, MedGen C3469521, MONDO:0009215, OMIM 227650.
Fanconi anemia (FA). Also called: Fanconi's anemia. Identifiers: Orphanet 84, MedGen C0015625, MeSH D005199, MONDO:0019391.

Allele frequency attached by ClinVar (database versions not stated): TOPMed below 0.00001.

Submissions (2):

Myriad Genetics, Inc.
Classification: Pathogenic for Fanconi anemia complementation group A. Last evaluated: 2025-08-01. Review status: criteria provided, single submitter. Criteria: Myriad Autosomal Dominant, Autosomal Recessive and X-Linked Classification Criteria (2023). Collection method: clinical testing. Allele origin: unknown.
Comment: NM_000135.2(FANCA):c.1126C>T(Q376*) is a nonsense variant classified as pathogenic in the context of Fanconi anemia complementation group A. Q376* has been observed in cases with relevant disease (PMID: 24584348, 34422195). Relevant functional assessments of this variant are not available in the literature. Q376* has not been observed in referenced population frequency databases. In summary, NM_000135.2(FANCA):c.1126C>T(Q376*) is a nonsense variant in a gene where loss of function is a known mechanism of disease, is predicted to disrupt protein function, and has been observed more frequently in cases with the relevant disease than in healthy populations. Please note: this variant was assessed in the context of healthy population screening.

Labcorp Genetics (formerly Invitae), Labcorp
Classification: Pathogenic for Fanconi anemia. Last evaluated: 2023-07-30. Review status: criteria provided, single submitter. Criteria: Invitae Variant Classification Sherloc (09022015). Collection method: clinical testing. Allele origin: germline.
Comment: ClinVar contains an entry for this variant (Variation ID: 2195705). This variant is not present in population databases (gnomAD no frequency). This premature translational stop signal has been observed in individual(s) with Fanconi anemia (PMID: 24584348, 34422195). For these reasons, this variant has been classified as Pathogenic. This sequence change creates a premature translational stop signal (p.Gln376*) in the FANCA gene. It is expected to result in an absent or disrupted protein product. Loss-of-function variants in FANCA are known to be pathogenic (PMID: 19367192).

Literature cited by the submitters: PubMed 24584348 (cited by Myriad Genetics, Inc. and Labcorp Genetics (formerly Invitae), Labcorp); PubMed 34422195 (cited by Myriad Genetics, Inc. and Labcorp Genetics (formerly Invitae), Labcorp); PubMed 19367192 (cited by Labcorp Genetics (formerly Invitae), Labcorp).